The following is an entry in ClinVar:

ClinVar aggregate classification (germline): Uncertain significance (1 of 4 stars; one submission).

Allele frequency attached by ClinVar (database versions not stated): gnomAD 0.00001.
gnomAD v4.1: 1 of 1,551,152 alleles (0.000064%); highest among the groups gnomAD compares: African/African-American, 0.0014%; no homozygotes.

Submission:

Labcorp Genetics (formerly Invitae), Labcorp
Classification: Uncertain significance. Last evaluated: 2022-04-11. Review status: criteria provided, single submitter. Criteria: Invitae Variant Classification Sherloc (09022015). Collection method: clinical testing. Allele origin: germline.
Comment: This sequence change replaces serine, which is neutral and polar, with cysteine, which is neutral and slightly polar, at codon 1346 of the EYS protein (p.Ser1346Cys). This variant is not present in population databases (gnomAD no frequency). This variant has not been reported in the literature in individuals affected with EYS-related conditions. Algorithms developed to predict the effect of missense changes on protein structure and function output the following: SIFT: "Tolerated"; PolyPhen-2: "Benign"; Align-GVGD: "Class C0". The cysteine amino acid residue is found in multiple mammalian species, which suggests that this missense change does not adversely affect protein function. In summary, the available evidence is currently insufficient to determine the role of this variant in disease. Therefore, it has been classified as a Variant of Uncertain Significance.

NM_001142800.2(EYS):c.4037C>G (p.Ser1346Cys)

Gene: EYS (eyes shut homolog; minus strand). Cytogenetic location: 6q12.
Variant type: single nucleotide variant.
Coding change: c.4037C>G on transcript NM_001142800.2 (MANE Select); coding-DNA position 4037, C replaced by G.
Protein change: p.Ser1346Cys; replaces serine 1346 with cysteine.
Molecular consequence: missense variant.
Genome position (GRCh38, 1-based): chr6:64,591,830, G>C on the plus strand (C>G on the coding strand, the complement: EYS is on the minus strand). VCF-style: chr6-64591830-G-C. GRCh37 (hg19) VCF-style: chr6-65301723-G-C.
Other names: c.4037C>G, p.Ser1346Cys (NM_001292009.2); short protein forms S1346C.
Identifiers: ClinVar variation 1980394 (VCV001980394.1), dbSNP rs1199156012, ClinGen allele CA364784174.
Genomic context (GRCh38, chr6:64,591,830, plus strand): 5'-GTTTTGTCCTGGACAATTTGTGCTGGGTCACGAATACCAAAATTCAGGAATCGAGAAGAG[G>C]AAACATCTGCGGAAGAAAGAAGACTGTGTTTTGCTGAAAGCTCTCTAGTGACAATCAGTT-3'
Protein context (NP_001136272.1, residues 1336-1356): KHSLLSSADV[Ser1346Cys]SSRFLNFGIR